The following is an entry in ClinVar:

ClinVar aggregate classification (germline): Uncertain significance (1 of 4 stars; one submission).

Submission:

Labcorp Genetics (formerly Invitae), Labcorp
Classification: Uncertain significance. Last evaluated: 2026-01-07. Review status: criteria provided, single submitter. Criteria: Invitae Variant Classification Sherloc (09022015). Collection method: clinical testing. Allele origin: germline.
Comment: This sequence change replaces leucine, which is neutral and non-polar, with arginine, which is basic and polar, at codon 78 of the TWNK protein (p.Leu78Arg). This variant is present in population databases (rs757457959, gnomAD 0.002%). This variant has not been reported in the literature in individuals affected with TWNK-related conditions. Invitae Evidence Modeling of protein sequence and biophysical properties (such as structural, functional, and spatial information, amino acid conservation, physicochemical variation, residue mobility, and thermodynamic stability) indicates that this missense variant is expected to disrupt TWNK protein function with a positive predictive value of 95%. In summary, the available evidence is currently insufficient to determine the role of this variant in disease. Therefore, it has been classified as a Variant of Uncertain Significance.

NM_021830.5(TWNK):c.233T>G (p.Leu78Arg)

Gene: TWNK (twinkle mtDNA helicase; plus strand). Cytogenetic location: 10q24.31.
Variant type: single nucleotide variant.
Coding change: c.233T>G on transcript NM_021830.5 (MANE Select); coding-DNA position 233, T replaced by G.
Protein change: p.Leu78Arg; replaces leucine 78 with arginine.
Molecular consequence: missense variant. On other transcripts: non-coding transcript variant (4), intron variant (3).
Genome position (GRCh38, 1-based): chr10:100,988,443, T>G. VCF-style: chr10-100988443-T-G. GRCh37 (hg19) VCF-style: chr10-102748200-T-G.
Other names: c.233T>G, p.Leu78Arg (NM_001163812.2); c.-120+830T>G (NM_001163814.2, NM_001163813.2); c.-58+830T>G (NM_001368275.1); short protein forms L78R.
Identifiers: ClinVar variation 4762260 (VCV004762260.1).